The following is an entry in ClinVar:

NM_003235.5(TG):c.7621C>T (p.Gln2541Ter)

Gene: TG (thyroglobulin; plus strand). Cytogenetic location: 8q24.22.
Variant type: single nucleotide variant.
Coding change: c.7621C>T on transcript NM_003235.5 (MANE Select); coding-DNA position 7621, C replaced by T.
Protein change: p.Gln2541Ter; replaces glutamine 2541 with a stop codon.
Molecular consequence: nonsense.
Genome position (GRCh38, 1-based): chr8:133,113,470, C>T. VCF-style: chr8-133113470-C-T. GRCh37 (hg19) VCF-style: chr8-134125714-C-T.
Other names: short protein forms Q2541*.
Identifiers: ClinVar variation 3385042 (VCV003385042.1).

ClinVar aggregate classification (germline): Pathogenic (1 of 4 stars; one submission).

Conditions:
TG-related disorder. Also called: TG-related condition; TG-related disorders.

Submission:

Women's Health and Genetics/Laboratory Corporation of America, LabCorp
Classification: Pathogenic for TG-Related Disorders. Last evaluated: 2024-10-28. Review status: criteria provided, single submitter. Criteria: LabCorp Variant Classification Summary - May 2015. Collection method: clinical testing. Allele origin: germline.
Comment: Variant summary: TG c.7621C>T (p.Gln2541X) results in a premature termination codon, predicted to cause absence of the protein due to nonsense mediated decay, which is a commonly known mechanism for disease. The variant was absent in 251480 control chromosomes (gnomAD). To our knowledge, no occurrence of c.7621C>T in individuals affected with TG-Related Disorders and no experimental evidence demonstrating its impact on protein function have been reported. No submitters have cited clinical-significance assessments for this variant to ClinVar. Based on the evidence outlined above, the variant was classified as pathogenic.